The following is an entry in ClinVar:

ClinVar aggregate classification (germline): Uncertain significance (1 of 4 stars; one submission).

Submission:

GeneDx
Classification: Uncertain significance. Last evaluated: 2019-09-09. Review status: criteria provided, single submitter. Criteria: GeneDx Variant Classification Process June 2021. Collection method: clinical testing. Allele origin: germline. Affected: yes.
Comment: Not observed in large population cohorts (Lek et al., 2016); In silico analysis, which includes protein predictors and evolutionary conservation, supports a deleterious effect; Has not been previously published as pathogenic or benign to our knowledge

NM_000433.4(NCF2):c.1524A>C (p.Lys508Asn)

Gene: NCF2 (neutrophil cytosolic factor 2; minus strand). Cytogenetic location: 1q25.3.
Variant type: single nucleotide variant.
Coding change: c.1524A>C on transcript NM_000433.4 (MANE Select); coding-DNA position 1524, A replaced by C.
Protein change: p.Lys508Asn; replaces lysine 508 with asparagine.
Molecular consequence: missense variant.
Genome position (GRCh38, 1-based): chr1:183,556,175, T>G on the plus strand (A>C on the coding strand, the complement: NCF2 is on the minus strand). VCF-style: chr1-183556175-T-G. GRCh37 (hg19) VCF-style: chr1-183525310-T-G.
Other names: c.1524A>C, p.Lys508Asn (NM_001127651.3); c.1281A>C, p.Lys427Asn (NM_001190789.2); c.1389A>C, p.Lys463Asn (NM_001190794.2); short protein forms K508N, K427N, K463N.
Identifiers: ClinVar variation 265706 (VCV000265706.3), dbSNP rs886039749, ClinGen allele CA10588272.
Genomic context (GRCh38, chr1:183,556,175, plus strand): 5'-ATCCTAGACTTCTCTCCGAGTGCTTTCCAAATCTGTAGTTGCGCAGTCTTCAACAAAAAC[T>G]TTGGGGAAAATGCCCACCTTCCCTTTGCACTCCCCTTCCAGCCATTCTTCATTCACTGAT-3'
Protein context (NP_000424.2, residues 498-518): ECKGKVGIFP[Lys508Asn]VFVEDCATTD